The following is an entry in ClinVar:

NM_004667.6(HERC2):c.10236T>C (p.Ala3412=)

Gene: HERC2 (HECT and RLD domain containing E3 ubiquitin protein ligase 2; minus strand). Cytogenetic location: 15q13.1.
Variant type: single nucleotide variant.
Coding change: c.10236T>C on transcript NM_004667.6 (MANE Select); coding-DNA position 10236, T replaced by C.
Protein change: p.Ala3412=; no amino-acid change (alanine 3412 retained).
Molecular consequence: synonymous variant.
Genome position (GRCh38, 1-based): chr15:28,168,584, A>G on the plus strand (T>C on the coding strand, the complement: HERC2 is on the minus strand). VCF-style: chr15-28168584-A-G. GRCh37 (hg19) VCF-style: chr15-28413730-A-G.
Other names: c.10236T>C (NM_004667.5).
Identifiers: ClinVar variation 2645052 (VCV002645052.26), dbSNP rs746099490, ClinGen allele CA7440919.

ClinVar aggregate classification (germline): Likely benign. Review status: criteria provided, multiple submitters, no conflicts (2 of 4 stars). 3 submissions from 3 submitters: Likely benign (2). 1 of the submissions does not count toward it. Last evaluated 2026-07-01.

Conditions:
HERC2-related disorder. Also called: HERC2-related condition.

Allele frequency attached by ClinVar (database versions not stated): ExAC 0.00004.

Submissions (3):

CeGaT Center for Human Genetics Tuebingen
Classification: Likely benign. Last evaluated: 2026-07-01. Review status: criteria provided, single submitter. Criteria: CeGaT Center For Human Genetics Tuebingen Variant Classification Criteria Version 2. Collection method: clinical testing. Allele origin: germline. Affected: yes. Observed: 4 variant alleles.
Comment: HERC2: BP4, BP7

Blueprint Genetics
Classification: Likely benign. Last evaluated: 2024-08-19. Review status: criteria provided, single submitter. Criteria: ACMG Guidelines, 2015. Collection method: clinical testing. Allele origin: germline.

PreventionGenetics, part of Exact Sciences
Classification: Likely benign for HERC2-related condition. Last evaluated: 2023-08-01. Review status: no assertion criteria provided. Collection method: clinical testing. Allele origin: germline. Not counted in ClinVar's aggregate classification.
Comment: This variant is classified as likely benign based on ACMG/AMP sequence variant interpretation guidelines (Richards et al. 2015 PMID: 25741868, with internal and published modifications).